The following is an entry in ClinVar:

NM_017757.3(ZNF407):c.6420G>A (p.Gly2140=)

Gene: ZNF407 (zinc finger protein 407; plus strand). Cytogenetic location: 18q22.3.
Variant type: single nucleotide variant.
Coding change: c.6420G>A on transcript NM_017757.3 (MANE Select); coding-DNA position 6420, G replaced by A.
Protein change: p.Gly2140=; no amino-acid change (glycine 2140 retained).
Molecular consequence: synonymous variant.
Genome position (GRCh38, 1-based): chr18:75,064,141, G>A. VCF-style: chr18-75064141-G-A. GRCh37 (hg19) VCF-style: chr18-72776097-G-A.
Other names: c.6420G>A, p.Gly2140= (NM_001384475.1).
Identifiers: ClinVar variation 3050425 (VCV003050425.2), dbSNP rs962586061, ClinGen allele CA303331950.

ClinVar aggregate classification (germline): Likely benign (0 of 4 stars; one submission).

Conditions:
ZNF407-related disorder. Also called: ZNF407-related condition.

Allele frequency attached by ClinVar (database versions not stated): gnomAD exomes 0.00002; TOPMed 0.00004; gnomAD 0.00005.
gnomAD v4.1: 32 of 1,602,722 alleles (0.002%); highest among the groups gnomAD compares: Non-Finnish European, 0.0026%; no homozygotes.

Submission:

PreventionGenetics, part of Exact Sciences
Classification: Likely benign for ZNF407-related condition. Last evaluated: 2019-07-10. Review status: no assertion criteria provided. Collection method: clinical testing. Allele origin: germline.
Comment: This variant is classified as likely benign based on ACMG/AMP sequence variant interpretation guidelines (Richards et al. 2015 PMID: 25741868, with internal and published modifications).